The following is an entry in ClinVar:

NM_018972.4(GDAP1):c.487C>T (p.Gln163Ter)

Gene: GDAP1 (ganglioside induced differentiation associated protein 1; plus strand). Cytogenetic location: 8q21.11.
Variant type: single nucleotide variant.
Coding change: c.487C>T on transcript NM_018972.4 (MANE Select); coding-DNA position 487, C replaced by T.
Protein change: p.Gln163Ter; replaces glutamine 163 with a stop codon.
Molecular consequence: nonsense.
Genome position (GRCh38, 1-based): chr8:74,361,886, C>T. VCF-style: chr8-74361886-C-T. GRCh37 (hg19) VCF-style: chr8-75274121-C-T.
Other names: c.283C>T, p.Gln95Ter (NM_001040875.4); c.160C>T, p.Gln54Ter (NM_001362929.2, NM_001362932.2); c.313C>T, p.Gln105Ter (NM_001362930.2); c.487C>T, p.Gln163Ter (NM_001362931.2); short protein forms Q163*, Q105*, Q54*, Q95*.
Identifiers: ClinVar variation 4193 (VCV000004193.37), dbSNP rs104894077, ClinGen allele CA116686.

ClinVar aggregate classification (germline): Pathogenic. Review status: criteria provided, multiple submitters, no conflicts (2 of 4 stars). 17 submissions from 16 submitters: Pathogenic (9). 8 of the submissions do not count toward it. Last evaluated 2026-02-03.

Conditions:
GDAP1-related disorder. Also called: GDAP1-related condition; GDAP1-related disorders.
Charcot-Marie-Tooth disease. Also called: Charcot-Marie-Tooth Neuropathy; Charcot-Marie-Tooth Hereditary Neuropathy. Identifiers: Orphanet 166, MedGen C0007959, MONDO:0015626.
Charcot-Marie-Tooth disease, axonal, with vocal cord paresis, autosomal recessive. Also called: CHARCOT-MARIE-TOOTH DISEASE, TYPE 4A, AXONAL FORM; CHARCOT-MARIE-TOOTH NEUROPATHY, AXONAL, WITH VOCAL CORD PARESIS, AUTOSOMAL RECESSIVE; CMT2 WITH VOCAL CORD PARESIS, AUTOSOMAL RECESSIVE. Identifiers: Orphanet 101097, MedGen C1843183, MONDO:0011898, OMIM 607706.
Charcot-Marie-Tooth disease recessive intermediate A (CMTRIA). Also called: CHARCOT-MARIE-TOOTH NEUROPATHY, RECESSIVE INTERMEDIATE A. Identifiers: Orphanet 217055, MedGen C1842197, MONDO:0012014, OMIM 608340.
Charcot-Marie-Tooth disease axonal type 2K (CMT2K). Also called: CHARCOT-MARIE-TOOTH DISEASE, AXONAL, AUTOSOMAL RECESSIVE, TYPE 2K; CHARCOT-MARIE-TOOTH NEUROPATHY, AXONAL, TYPE 2K; Charcot-Marie-Tooth disease type 2K. Identifiers: Orphanet 101097, Orphanet 99944, MedGen C1842983, MONDO:0011916, OMIM 607831.
Charcot-Marie-Tooth disease type 4A. Also called: Charcot-Marie-Tooth disease, demyelinating, autosomal recessive, type 4a. Identifiers: Orphanet 99948, MedGen C1859198, MONDO:0008961, OMIM 214400.
Neuropathy, axonal, with vocal cord paresis, autosomal recessive. Identifiers: MedGen C4016973.

Allele frequency attached by ClinVar (database versions not stated): ExAC 0.00002; gnomAD exomes 0.00008; gnomAD 0.00014 and 0.00015; TOPMed 0.00017; 1000 Genomes Project 0.00020; 1000 Genomes Project 30x 0.00031.

Submissions (17):

Labcorp Genetics (formerly Invitae), Labcorp
Classification: Pathogenic for Charcot-Marie-Tooth disease type 4A. Last evaluated: 2026-02-03. Review status: criteria provided, single submitter. Criteria: Invitae Variant Classification Sherloc (09022015). Collection method: clinical testing. Allele origin: germline.
Comment: This sequence change creates a premature translational stop signal (p.Gln163*) in the GDAP1 gene. It is expected to result in an absent or disrupted protein product. Loss-of-function variants in GDAP1 are known to be pathogenic (PMID: 11743580). This variant is present in population databases (rs104894077, gnomAD 0.05%). This premature translational stop signal has been observed in individual(s) with autosomal recessive Charcot-Marie-Tooth disease (PMID: 11743580, 12601710, 20849849). It has also been observed to segregate with disease in related individuals. ClinVar contains an entry for this variant (Variation ID: 4193). For these reasons, this variant has been classified as Pathogenic.

Variantyx, Inc.
Classification: Pathogenic for Charcot-Marie-Tooth disease type 4A. Last evaluated: 2026-01-13. Review status: criteria provided, single submitter. Criteria: Variantyx Assertion Criteria 2022. Collection method: clinical testing. Allele origin: germline. Inheritance: Autosomal recessive inheritance. Affected: no.
Comment: This is a nonsense variant in the GDAP1 gene (OMIM: 606598). Pathogenic variants in this gene have been associated with autosomal recessive Charcot-Marie-Tooth disease, type 4A. This variant introduces a premature termination codon in exon 4 out of 6 and is expected to result in loss of function, which is a known disease mechanism for GDAP1 in this disorder (PMID: 11743580, 15805163) (PVS1). This variant has been identified in the homozygous or compound heterozygous state in at least eleven individuals in the literature (PMID: 11743580, 15805163) (PM3_Strong) and has a 0.0700% maximum allele frequency in non-founder control populations (PM2). Based on the current evidence, this variant is classified as pathogenic for autosomal recessive Charcot-Marie-Tooth disease, type 4A.

Women's Health and Genetics/Laboratory Corporation of America, LabCorp
Classification: Pathogenic for Charcot-Marie-Tooth disease axonal type 2K. Last evaluated: 2024-11-25. Review status: criteria provided, single submitter. Criteria: LabCorp Variant Classification Summary - May 2015. Collection method: clinical testing. Allele origin: germline.
Comment: Variant summary: GDAP1 c.487C>T (p.Gln163X) results in a premature termination codon, predicted to cause a truncation of the encoded protein or absence of the protein due to nonsense mediated decay, which are commonly known mechanisms for disease. The variant allele was found at a frequency of 7.6e-05 in 251134 control chromosomes (gnomAD). This frequency is not significantly higher than estimated for a pathogenic variant in GDAP1 causing Charcot-Marie-Tooth disease axonal type 2K, allowing no conclusion about variant significance. c.487C>T has been reported in the literature in multiple individuals affected with Charcot-Marie-Tooth disease (Claramunt_2005). These data indicate that the variant is very likely to be associated with disease. To our knowledge, no experimental evidence demonstrating an impact on protein function has been reported. The following publication have been ascertained in the context of this evaluation (PMID: 15805163). ClinVar contains an entry for this variant (Variation ID: 4193). Based on the evidence outlined above, the variant was classified as pathogenic.

Revvity Omics, Revvity
Classification: Pathogenic. Last evaluated: 2024-01-03. Review status: criteria provided, single submitter. Criteria: ACMG Guidelines, 2015. Collection method: clinical testing. Allele origin: germline.

3billion
Classification: Pathogenic for Charcot-Marie-Tooth disease type 4A. Last evaluated: 2023-06-20. Review status: criteria provided, single submitter. Criteria: ACMG Guidelines, 2015. Collection method: clinical testing. Allele origin: germline. Affected: yes.
Comment: The variant is observed at an extremely low frequency in the gnomAD v2.1.1 dataset (total allele frequency: 0.008%). Predicted Consequence/Location: Stop-gained (nonsense): predicted to result in a loss or disruption of normal protein function through nonsense-mediated decay (NMD) or protein truncation. Multiple pathogenic variants are reported downstream of the variant. The variant has been reported at least twice as pathogenic with clinical assertions and evidence for the classification (ClinVar ID: VCV000004193 /PMID: 11743580 /3billion dataset). Therefore, this variant is classified as Pathogenic according to the recommendation of ACMG/AMP guideline.

GeneDx
Classification: Pathogenic. Last evaluated: 2022-06-06. Review status: criteria provided, single submitter. Criteria: GeneDx Variant Classification Process June 2021. Collection method: clinical testing. Allele origin: germline. Affected: yes.
Comment: Nonsense variant predicted to result in protein truncation or nonsense mediated decay in a gene for which loss-of-function is a known mechanism of disease; This variant is associated with the following publications: (PMID: 11743580, 31827005, 25525159, 25403865, 12601710, 26257172, 21519004, 26848201, 15805163, 33903021, 33187793, 31589614)

Blueprint Genetics
Classification: Pathogenic for GDAP1-related disorders. Last evaluated: 2022-04-20. Review status: criteria provided, single submitter. Criteria: ACMG Guidelines, 2015. Collection method: clinical testing. Allele origin: germline. Affected: yes. Observed: 4 variant alleles.

Athena Diagnostics
Classification: Pathogenic. Last evaluated: 2021-02-25. Review status: criteria provided, single submitter. Criteria: Athena Diagnostics criteria. Collection method: clinical testing. Allele origin: unknown.
Comment: This variant is expected to result in the loss of a functional protein. The frequency of this variant in the general population is consistent with pathogenicity. This variant segregates with disease in multiple families. In multiple individuals, this variant has been seen with a single recessive pathogenic variant in the same gene, suggesting this variant may also be pathogenic.

Fulgent Genetics
Classification: Pathogenic for Charcot-Marie-Tooth disease type 4A; Charcot-Marie-Tooth disease, axonal, with vocal cord paresis, autosomal recessive; Charcot-Marie-Tooth disease axonal type 2K; Charcot-Marie-Tooth disease recessive intermediate A. Last evaluated: 2018-10-31. Review status: criteria provided, single submitter. Criteria: ACMG Guidelines, 2015. Collection method: clinical testing. Allele origin: unknown.

Genesis Genome Database
Classification: Uncertain significance for Charcot-Marie-Tooth disease. Last evaluated: 2019-08-14. Review status: no assertion criteria provided. Collection method: research. Allele origin: germline. Affected: yes. Not counted in ClinVar's aggregate classification.

Inherited Neuropathy Consortium Ii, University Of Miami
Classification: Uncertain significance for Charcot-Marie-Tooth disease type 4A. Last evaluated: 2016-01-06. Review status: no assertion criteria provided. Collection method: literature only. Allele origin: germline. Affected: yes. Not counted in ClinVar's aggregate classification.

OMIM
Classification: Pathogenic for NEUROPATHY, AXONAL, WITH VOCAL CORD PARESIS, AUTOSOMAL RECESSIVE. Last evaluated: 2005-04-01. Review status: no assertion criteria provided. Collection method: literature only. Allele origin: germline. Not counted in ClinVar's aggregate classification.

Clinical Genetics, Academic Medical Center
Classification: Pathogenic. Review status: no assertion criteria provided. Collection method: clinical testing. Allele origin: germline. Affected: yes. Study: VKGL Data-share Consensus. Not counted in ClinVar's aggregate classification.

GeneReviews
No classification provided. Condition: Charcot-Marie-Tooth disease, axonal, with vocal cord paresis, autosomal recessive. Review status: no classification provided. Collection method: literature only. Allele origin: unknown. Not counted in ClinVar's aggregate classification.

GeneReviews
No classification provided. Condition: Charcot-Marie-Tooth disease. Review status: no classification provided. Collection method: literature only. Allele origin: germline. Not counted in ClinVar's aggregate classification.

Inherited Neuropathy Consortium
Classification: Likely pathogenic for Charcot-Marie-Tooth disease. Review status: no assertion criteria provided. Collection method: provider interpretation. Allele origin: inherited. Affected: yes. Not counted in ClinVar's aggregate classification.

Joint Genome Diagnostic Labs from Nijmegen and Maastricht, Radboudumc and MUMC+
Classification: Pathogenic. Review status: no assertion criteria provided. Collection method: clinical testing. Allele origin: germline. Affected: yes. Study: VKGL Data-share Consensus. Not counted in ClinVar's aggregate classification.

Literature cited by the submitters: PubMed 11743580 (cited by 6 submitters); PubMed 12601710 (cited by 4 submitters); PubMed 20849849 (cited by Labcorp Genetics (formerly Invitae), Labcorp); PubMed 15805163 (cited by 4 submitters); PubMed 21519004 (cited by Athena Diagnostics); PubMed 26848201 (cited by Athena Diagnostics); PubMed 33187793 (cited by Athena Diagnostics); PubMed 20301641 (cited by GeneReviews); NCBI Bookshelf NBK1468 (cited by GeneReviews); PubMed 20301711 (cited by GeneReviews).